The following is an entry in ClinVar:

ClinVar aggregate classification (germline): Uncertain significance. Review status: criteria provided, single submitter (1 of 4 stars). 3 submissions from 3 submitters: Uncertain significance (1). 2 of the submissions do not count toward it. Last evaluated 2021-09-24.

Conditions:
PKHD1-related disorder. Also called: PKHD1-related condition.
Autosomal recessive polycystic kidney disease (ARPKD). Also called: AR polycystic kidney disease. Identifiers: Orphanet 731, Orphanet 8378, MedGen C0085548, MeSH D017044, MONDO:0009889.

Allele frequency attached by ClinVar (database versions not stated): gnomAD exomes 0.00001 and 0.00004; ExAC 0.00005; gnomAD 0.00011 and 0.00012; TOPMed 0.00016; ESP Exome Variant Server 0.00031; 1000 Genomes Project 30x 0.00047; 1000 Genomes Project 0.00060.
gnomAD v4.1: 28 of 1,609,038 alleles (0.0017%); highest among the groups gnomAD compares: African/African-American, 0.029%; no homozygotes.

Submissions (3):

Labcorp Genetics (formerly Invitae), Labcorp
Classification: Uncertain significance for Autosomal recessive polycystic kidney disease. Last evaluated: 2021-09-24. Review status: criteria provided, single submitter. Criteria: Invitae Variant Classification Sherloc (09022015). Collection method: clinical testing. Allele origin: germline.
Comment: This sequence change falls in intron 49 of the PKHD1 gene. It does not directly change the encoded amino acid sequence of the PKHD1 protein, but it affects a nucleotide within the consensus splice site of the intron. This variant is present in population databases (rs199953233, ExAC 0.05%). This variant has not been reported in the literature in individuals with PKHD1-related disease.¬†ClinVar contains an entry for this variant (Variation ID:¬†458606). Nucleotide substitutions within the consensus splice site are a relatively common cause of aberrant splicing (PMID: 17576681, 9536098). Algorithms developed to predict the effect of sequence changes on RNA splicing suggest that this variant is not likely to affect RNA splicing, but this prediction has not been confirmed by published transcriptional studies. In summary, the available evidence is currently insufficient to determine the role of this variant in disease. Therefore, it has been classified as a Variant of Uncertain Significance.

PreventionGenetics, part of Exact Sciences
Classification: Likely benign for PKHD1-related condition. Last evaluated: 2022-11-09. Review status: no assertion criteria provided. Collection method: clinical testing. Allele origin: germline. Not counted in ClinVar's aggregate classification.
Comment: This variant is classified as likely benign based on ACMG/AMP sequence variant interpretation guidelines (Richards et al. 2015 PMID: 25741868, with internal and published modifications).

Natera, Inc.
Classification: Uncertain significance for Autosomal recessive polycystic kidney disease. Last evaluated: 2020-09-16. Review status: no assertion criteria provided. Collection method: clinical testing. Allele origin: germline. Not counted in ClinVar's aggregate classification.

Literature cited by the submitters: PubMed 17576681 (cited by Labcorp Genetics (formerly Invitae), Labcorp); PubMed 9536098 (cited by Labcorp Genetics (formerly Invitae), Labcorp).

NM_138694.4(PKHD1):c.7911+5C>A

Gene: PKHD1 (PKHD1 ciliary IPT domain containing fibrocystin/polyductin; minus strand). Cytogenetic location: 6p12.2.
Variant type: single nucleotide variant.
Coding change: c.7911+5C>A on transcript NM_138694.4 (MANE Select); 5 bases into the intron after coding-DNA position 7911, C replaced by A.
Molecular consequence: intron variant.
Genome position (GRCh38, 1-based): chr6:51,855,888, G>T on the plus strand (C>A on the coding strand, the complement: PKHD1 is on the minus strand). VCF-style: chr6-51855888-G-T. GRCh37 (hg19) VCF-style: chr6-51720686-G-T.
Other names: c.7911+5C>A (NM_170724.3).
Identifiers: ClinVar variation 458606 (VCV000458606.7), dbSNP rs199953233, ClinGen allele CA3851801.